The following is an entry in ClinVar:

ClinVar aggregate classification (germline): Conflicting classifications of pathogenicity. Review status: criteria provided, conflicting classifications (1 of 4 stars). 3 submissions from 3 submitters: Uncertain significance (1); Benign (1); Likely benign (1). Last evaluated 2023-12-15.

Conditions:
Maturity-onset diabetes of the young type 8 (MODY8). Also called: DIABETES-PANCREATIC EXOCRINE DYSFUNCTION SYNDROME; DIABETES AND PANCREATIC EXOCRINE DYSFUNCTION. Identifiers: Orphanet 552, MedGen C1853297, MONDO:0012348, OMIM 609812.
Monogenic diabetes. Identifiers: Orphanet 183625, MedGen C3888631, MONDO:0015967.

Allele frequency attached by ClinVar (database versions not stated): 1000 Genomes Project 0.00020; ESP Exome Variant Server 0.00024; 1000 Genomes Project 30x 0.00031; TOPMed 0.00043.
gnomAD v4.1: 96 of 1,613,952 alleles (0.0059%); highest among the groups gnomAD compares: African/African-American, 0.11%; 1 homozygote.

Submissions (3):

GeneDx
Classification: Uncertain significance. Last evaluated: 2023-12-15. Review status: criteria provided, single submitter. Criteria: GeneDx Variant Classification Process June 2021. Collection method: clinical testing. Allele origin: germline. Affected: yes.
Comment: Has not been previously published as pathogenic or benign in association with CEL-related maturity onset diabetes of the young to our knowledge; In silico analysis supports that this missense variant does not alter protein structure/function; This variant is associated with the following publications: (PMID: 35995657)

Fulgent Genetics
Classification: Likely benign for Maturity-onset diabetes of the young type 8. Last evaluated: 2021-09-11. Review status: criteria provided, single submitter. Criteria: ACMG Guidelines, 2015. Collection method: clinical testing. Allele origin: unknown.

Personalized Diabetes Medicine Program, University of Maryland School of Medicine
Classification: Benign for Monogenic diabetes. Last evaluated: 2019-02-15. Review status: criteria provided, single submitter. Criteria: ACMG Guidelines, 2015. Collection method: research. Allele origin: unknown. Observed: 1 variant allele, 1 heterozygote.
Comment: ACMG criteria: BP4 (REVEL 0.134 + 9 predictors), BA1 (0.1% MAF in African gnomAD)= benign

NM_001807.6(CEL):c.850C>G (p.Arg284Gly)

Gene: CEL (carboxyl ester lipase; plus strand). Cytogenetic location: 9q34.13.
Variant type: single nucleotide variant.
Coding change: c.850C>G on transcript NM_001807.6 (MANE Select); coding-DNA position 850, C replaced by G.
Protein change: p.Arg284Gly; replaces arginine 284 with glycine.
Molecular consequence: missense variant.
Genome position (GRCh38, 1-based): chr9:133,067,160, C>G. VCF-style: chr9-133067160-C-G. GRCh37 (hg19) VCF-style: chr9-135942547-C-G.
Other names: c.859C>G (NM_001807.3); short protein forms R284G.
Identifiers: ClinVar variation 917438 (VCV000917438.4), dbSNP rs369868891, ClinGen allele CA5303177.